The following is an entry in ClinVar:

NM_000132.4(F8):c.2720C>T (p.Thr907Ile)

Gene: F8 (coagulation factor VIII; minus strand). Cytogenetic location: Xq28.
Variant type: single nucleotide variant.
Coding change: c.2720C>T on transcript NM_000132.4 (MANE Select); coding-DNA position 2720, C replaced by T.
Protein change: p.Thr907Ile; replaces threonine 907 with isoleucine.
Molecular consequence: missense variant.
Genome position (GRCh38, 1-based): chrX:154,931,070, G>A on the plus strand (C>T on the coding strand, the complement: F8 is on the minus strand). VCF-style: chrX-154931070-G-A. GRCh37 (hg19) VCF-style: chrX-154159345-G-A.
Other names: short protein forms T907I.
Identifiers: ClinVar variation 2629354 (VCV002629354.2), dbSNP rs1041313891, ClinGen allele CA337325508.

ClinVar aggregate classification (germline): Uncertain significance. Review status: criteria provided, multiple submitters, no conflicts (2 of 4 stars). 2 submissions from 2 submitters: Uncertain significance (2). Last evaluated 2024-11-15.

Conditions:
Inborn genetic diseases. Identifiers: MedGen C0950123, MeSH D030342.
F8-related disorder. Also called: F8-related condition.

Allele frequency attached by ClinVar (database versions not stated): gnomAD exomes below 0.00001; TOPMed below 0.00001.
gnomAD v4.1: 4 of 1,201,561 alleles (0.00033%); highest among the groups gnomAD compares: Non-Finnish European, 0.00045%; no homozygotes.

Submissions (2):

Ambry Genetics
Classification: Uncertain significance for Inborn genetic diseases. Last evaluated: 2024-11-15. Review status: criteria provided, single submitter. Criteria: Ambry Variant Classification Scheme 2023. Collection method: clinical testing. Allele origin: germline.

PreventionGenetics, part of Exact Sciences
Classification: Uncertain significance for F8-related condition. Last evaluated: 2023-01-25. Review status: criteria provided, single submitter. Criteria: ACMG Guidelines, 2015. Collection method: clinical testing. Allele origin: germline.
Comment: The F8 c.2720C>T variant is predicted to result in the amino acid substitution p.Thr907Ile. To our knowledge, this variant has not been reported in the literature or in a large population database, indicating this variant is rare. At this time, the clinical significance of this variant is uncertain due to the absence of conclusive functional and genetic evidence.